The following is an entry in ClinVar:

ClinVar aggregate classification (germline): Uncertain significance (1 of 4 stars; one submission).

Submission:

GeneDx
Classification: Uncertain significance. Last evaluated: 2022-04-21. Review status: criteria provided, single submitter. Criteria: GeneDx Variant Classification Process June 2021. Collection method: clinical testing. Allele origin: germline. Affected: yes.
Comment: Not observed at significant frequency in large population cohorts (gnomAD); In silico analysis supports that this missense variant does not alter protein structure/function; In silico analysis, which includes splice predictors and evolutionary conservation, suggests this variant may impact gene splicing. In the absence of RNA/functional studies, the actual effect of this sequence change is unknown.; Has not been previously published as pathogenic or benign to our knowledge

NM_138694.4(PKHD1):c.4921G>A (p.Asp1641Asn)

Genes: PKHD1 (PKHD1 ciliary IPT domain containing fibrocystin/polyductin; minus strand), LOC126859690 (MED14-independent group 3 enhancer GRCh37_chr6:51888848-51890047; plus strand). Cytogenetic location: 6p12.2.
Variant type: single nucleotide variant.
Coding change: c.4921G>A on transcript NM_138694.4 (MANE Select); coding-DNA position 4921, G replaced by A.
Protein change: p.Asp1641Asn; replaces aspartic acid 1641 with asparagine.
Molecular consequence: missense variant.
Genome position (GRCh38, 1-based): chr6:52,024,889, C>T on the plus strand (G>A on the coding strand, the complement: PKHD1 is on the minus strand). VCF-style: chr6-52024889-C-T. GRCh37 (hg19) VCF-style: chr6-51889687-C-T.
Other names: c.4921G>A, p.Asp1641Asn (NM_170724.3); short protein forms D1641N.
Identifiers: ClinVar variation 1800553 (VCV001800553.1), dbSNP rs2532694865, ClinGen allele CA364430617.